The following is an entry in ClinVar:

NM_033310.3(KCNK4):c.866G>T (p.Arg289Leu)

Genes: KCNK4 (potassium two pore domain channel subfamily K member 4; plus strand), KCNK4-CATSPERZ (KCNK4-CATSPERZ readthrough (NMD candidate); plus strand). Cytogenetic location: 11q13.1.
Variant type: single nucleotide variant.
Coding change: c.866G>T on transcript NM_033310.3 (MANE Select); coding-DNA position 866, G replaced by T.
Protein change: p.Arg289Leu; replaces arginine 289 with leucine.
Molecular consequence: missense variant. On other transcripts: non-coding transcript variant (3).
Genome position (GRCh38, 1-based): chr11:64,299,410, G>T. VCF-style: chr11-64299410-G-T. GRCh37 (hg19) VCF-style: chr11-64066882-G-T.
Other names: c.866G>T, p.Arg289Leu (NM_001317090.2, NM_033311.1); short protein forms R289L.
Identifiers: ClinVar variation 2031552 (VCV002031552.4), dbSNP rs1044774283, ClinGen allele CA381067201.

ClinVar aggregate classification (germline): Uncertain significance (1 of 4 stars; one submission).

gnomAD v4.1: 2 of 1,573,552 alleles (0.00013%); highest among the groups gnomAD compares: Admixed American, 0.0037%; no homozygotes.

Submission:

Labcorp Genetics (formerly Invitae), Labcorp
Classification: Uncertain significance. Last evaluated: 2022-10-27. Review status: criteria provided, single submitter. Criteria: Invitae Variant Classification Sherloc (09022015). Collection method: clinical testing. Allele origin: germline.
Comment: Algorithms developed to predict the effect of missense changes on protein structure and function are either unavailable or do not agree on the potential impact of this missense change (SIFT: "Not Available"; PolyPhen-2: "Probably Damaging"; Align-GVGD: "Not Available"). In summary, the available evidence is currently insufficient to determine the role of this variant in disease. Therefore, it has been classified as a Variant of Uncertain Significance. This variant has not been reported in the literature in individuals affected with KCNK4-related conditions. This sequence change replaces arginine, which is basic and polar, with leucine, which is neutral and non-polar, at codon 289 of the KCNK4 protein (p.Arg289Leu). The frequency data for this variant in the population databases is considered unreliable, as metrics indicate poor data quality at this position in the gnomAD database.